The following is an entry in ClinVar:

ClinVar aggregate classification (germline): Benign/Likely benign. Review status: criteria provided, multiple submitters, no conflicts (2 of 4 stars). 3 submissions from 3 submitters: Benign (2); Likely benign (1). Last evaluated 2025-12-15.

Conditions:
Hereditary cancer-predisposing syndrome. Also called: Hereditary neoplastic syndrome; Neoplastic Syndromes, Hereditary; Tumor predisposition; Hereditary Cancer Syndrome. Identifiers: Orphanet 140162, MedGen C0027672, MeSH D009386, MONDO:0015356.
Tuberous sclerosis 2 (TSC2). Identifiers: Orphanet 805, MedGen C1860707, MONDO:0013199, OMIM 613254.

Allele frequency attached by ClinVar (database versions not stated): gnomAD exomes 0.00001; TOPMed 0.00001.
gnomAD v4.1: 42 of 1,611,472 alleles (0.0026%); highest among the groups gnomAD compares: African/African-American, 0.013%; 2 homozygotes.

Submissions (3):

Labcorp Genetics (formerly Invitae), Labcorp
Classification: Benign for Tuberous sclerosis 2. Last evaluated: 2025-12-15. Review status: criteria provided, single submitter. Criteria: Invitae Variant Classification Sherloc (09022015). Collection method: clinical testing. Allele origin: germline.

Myriad Genetics, Inc.
Classification: Benign for Tuberous sclerosis 2. Last evaluated: 2025-05-28. Review status: criteria provided, single submitter. Criteria: Myriad Autosomal Dominant, Autosomal Recessive and X-Linked Classification Criteria (2023). Collection method: clinical testing. Allele origin: unknown.
Comment: This variant is considered benign. This variant is a silent/synonymous amino acid change and it is not expected to impact splicing.

Ambry Genetics
Classification: Likely benign for Hereditary cancer-predisposing syndrome. Last evaluated: 2017-10-13. Review status: criteria provided, single submitter. Criteria: Ambry Variant Classification Scheme 2023. Collection method: clinical testing. Allele origin: germline.

NM_000548.5(TSC2):c.3334C>T (p.Leu1112=)

Gene: TSC2 (TSC complex subunit 2; plus strand). Cytogenetic location: 16p13.3.
Variant type: single nucleotide variant.
Coding change: c.3334C>T on transcript NM_000548.5 (MANE Select); coding-DNA position 3334, C replaced by T.
Protein change: p.Leu1112=; no amino-acid change (leucine 1112 retained).
Molecular consequence: synonymous variant.
Genome position (GRCh38, 1-based): chr16:2,079,606, C>T. VCF-style: chr16-2079606-C-T. GRCh37 (hg19) VCF-style: chr16-2129607-C-T.
Other names: c.3202C>T, p.Leu1068= (NM_001077183.3, NM_001370404.1); c.3334C>T, p.Leu1112= (NM_001114382.3); c.3094C>T, p.Leu1032= (NM_001318827.2); c.3058C>T, p.Leu1020= (NM_001318829.2); c.2602C>T, p.Leu868= (NM_001318831.2); c.3235C>T, p.Leu1079= (NM_001318832.2); c.3205C>T, p.Leu1069= (NM_001363528.2, NM_001370405.1, NM_021055.3).
Identifiers: ClinVar variation 468003 (VCV000468003.15), dbSNP rs531172613, ClinGen allele CA276746129.
Genomic context (GRCh38, chr16:2,079,606, plus strand): 5'-TCTCTTCTCAGCTCCAGCCCCGGGGTGCATGTGAGACAGACCAAGGAGGCGCCGGCCAAG[C>T]TGGAGTCCCAGGCTGGGCAGCAGGTGTCCCGTGGGGCCCGGGATCGGGTCCGTTCCATGT-3'
Protein context (NP_000539.2, residues 1102-1122): VRQTKEAPAK[Leu1112=]ESQAGQQVSR